The following is an entry in ClinVar:

NM_001039141.3(TRIOBP):c.3358C>T (p.Pro1120Ser)

Gene: TRIOBP (TRIO and F-actin binding protein; plus strand). Cytogenetic location: 22q13.1.
Variant type: single nucleotide variant.
Coding change: c.3358C>T on transcript NM_001039141.3 (MANE Select); coding-DNA position 3358, C replaced by T.
Protein change: p.Pro1120Ser; replaces proline 1120 with serine.
Molecular consequence: missense variant.
Genome position (GRCh38, 1-based): chr22:37,725,914, C>T. VCF-style: chr22-37725914-C-T. GRCh37 (hg19) VCF-style: chr22-38121921-C-T.
Other names: short protein forms P1120S.
Identifiers: ClinVar variation 1468408 (VCV001468408.8), dbSNP rs1924124311, ClinGen allele CA411479153.

ClinVar aggregate classification (germline): Uncertain significance (1 of 4 stars; one submission).

Allele frequency attached by ClinVar (database versions not stated): gnomAD exomes 0.00001.
gnomAD v4.1: 11 of 1,613,698 alleles (0.00068%); highest among the groups gnomAD compares: Non-Finnish European, 0.00093%; no homozygotes.

Submission:

Labcorp Genetics (formerly Invitae), Labcorp
Classification: Uncertain significance. Last evaluated: 2021-01-13. Review status: criteria provided, single submitter. Criteria: Invitae Variant Classification Sherloc (09022015). Collection method: clinical testing. Allele origin: germline.
Comment: In summary, the available evidence is currently insufficient to determine the role of this variant in disease. Therefore, it has been classified as a Variant of Uncertain Significance. Algorithms developed to predict the effect of missense changes on protein structure and function are either unavailable or do not agree on the potential impact of this missense change (SIFT: "Tolerated"; PolyPhen-2: "Probably Damaging"; Align-GVGD: "Class C0"). This variant has not been reported in the literature in individuals with TRIOBP-related conditions. This variant is not present in population databases (ExAC no frequency). This sequence change replaces proline with serine at codon 1120 of the TRIOBP protein (p.Pro1120Ser). The proline residue is weakly conserved and there is a moderate physicochemical difference between proline and serine.